The following is an entry in ClinVar:

NM_000334.4(SCN4A):c.688A>G (p.Ile230Val)

Gene: SCN4A (sodium voltage-gated channel alpha subunit 4; minus strand). Cytogenetic location: 17q23.3.
Variant type: single nucleotide variant.
Coding change: c.688A>G on transcript NM_000334.4 (MANE Select); coding-DNA position 688, A replaced by G.
Protein change: p.Ile230Val; replaces isoleucine 230 with valine.
Molecular consequence: missense variant.
Genome position (GRCh38, 1-based): chr17:63,971,177, T>C on the plus strand (A>G on the coding strand, the complement: SCN4A is on the minus strand). VCF-style: chr17-63971177-T-C. GRCh37 (hg19) VCF-style: chr17-62048537-T-C.
Other names: short protein forms I230V.
Identifiers: ClinVar variation 1441985 (VCV001441985.6), dbSNP rs2144813120, ClinGen allele CA400638225.

ClinVar aggregate classification (germline): Uncertain significance (1 of 4 stars; one submission).

Conditions:
Hyperkalemic periodic paralysis. Also called: Familial hyperkalemic periodic paralysis; Gamstorp disease. Identifiers: Orphanet 682, MedGen C0238357, MONDO:0008224, OMIM 170500, HP:0007215.

Allele frequency attached by ClinVar (database versions not stated): gnomAD exomes below 0.00001.
gnomAD v4.1: 4 of 1,558,600 alleles (0.00026%); highest among the groups gnomAD compares: Non-Finnish European, 0.00035%; no homozygotes.

Submission:

Labcorp Genetics (formerly Invitae), Labcorp
Classification: Uncertain significance for Hyperkalemic periodic paralysis. Last evaluated: 2021-08-12. Review status: criteria provided, single submitter. Criteria: Invitae Variant Classification Sherloc (09022015). Collection method: clinical testing. Allele origin: germline.
Comment: In summary, the available evidence is currently insufficient to determine the role of this variant in disease. Therefore, it has been classified as a Variant of Uncertain Significance. Algorithms developed to predict the effect of missense changes on protein structure and function (SIFT, PolyPhen-2, Align-GVGD) all suggest that this variant is likely to be disruptive. This variant has not been reported in the literature in individuals affected with SCN4A-related conditions. This variant is not present in population databases (ExAC no frequency). This sequence change replaces isoleucine with valine at codon 230 of the SCN4A protein (p.Ile230Val). The isoleucine residue is highly conserved and there is a small physicochemical difference between isoleucine and valine.